The following is an entry in ClinVar:

NM_000059.4(BRCA2):c.9352A>G (p.Met3118Val)

Gene: BRCA2 (BRCA2 DNA repair associated; plus strand). Cytogenetic location: 13q13.1.
Variant type: single nucleotide variant.
Coding change: c.9352A>G on transcript NM_000059.4 (MANE Select); coding-DNA position 9352, A replaced by G.
Protein change: p.Met3118Val; replaces methionine 3118 with valine.
Molecular consequence: missense variant.
Genome position (GRCh38, 1-based): chr13:32,394,784, A>G. VCF-style: chr13-32394784-A-G. GRCh37 (hg19) VCF-style: chr13-32968921-A-G.
Other names: short protein forms M3118V.
Identifiers: ClinVar variation 1472237 (VCV001472237.10), dbSNP rs1566258951, ClinGen allele CA387761106.

ClinVar aggregate classification (germline): Conflicting classifications of pathogenicity. Review status: criteria provided, conflicting classifications (1 of 4 stars). 3 submissions from 3 submitters: Uncertain significance (2); Benign (1). Last evaluated 2025-07-21.

Conditions:
Hereditary cancer-predisposing syndrome. Also called: Neoplastic Syndromes, Hereditary; Hereditary Cancer Syndrome; Tumor predisposition; Hereditary neoplastic syndrome. Identifiers: Orphanet 140162, MedGen C0027672, MeSH D009386, MONDO:0015356.
Hereditary breast ovarian cancer syndrome. Also called: Breast and ovarian cancer; Hereditary breast and ovarian cancer; Hereditary breast and ovarian cancer syndrome; Hereditary breast and ovarian cancer syndrome (HBOC); BRCA1- and BRCA2-Associated Hereditary Breast and Ovarian Cancer; Hereditary breast and/or ovarian cancer syndrome. Identifiers: Orphanet 145, MedGen C0677776, MeSH D061325, MONDO:0003582. Disease mechanism: loss of function.

Allele frequency attached by ClinVar (database versions not stated): gnomAD exomes below 0.00001; gnomAD 0.00001.
gnomAD v4.1: 3 of 1,614,138 alleles (0.00019%); highest among the groups gnomAD compares: Non-Finnish European, 0.00017%; no homozygotes.

Submissions (3):

Color Diagnostics, LLC DBA Color Health
Classification: Uncertain significance for Hereditary cancer-predisposing syndrome. Last evaluated: 2025-07-21. Review status: criteria provided, single submitter. Criteria: ACMG Guidelines, 2015. Collection method: clinical testing. Allele origin: germline.
Comment: This missense variant replaces methionine with valine at codon 3118 of the BRCA2 protein. Computational prediction suggests that this variant may not impact protein structure and function. To our knowledge, functional studies have not been reported for this variant. This variant has not been reported in individuals affected with BRCA2-related disorders in the literature. This variant has not been identified in the general population by the Genome Aggregation Database (gnomAD). The available evidence is insufficient to determine the role of this variant in disease conclusively. Therefore, this variant is classified as a Variant of Uncertain Significance.

Ambry Genetics
Classification: Benign for Hereditary cancer-predisposing syndrome. Last evaluated: 2025-05-23. Review status: criteria provided, single submitter. Criteria: Ambry Variant Classification Scheme 2023. Collection method: clinical testing. Allele origin: germline.

Labcorp Genetics (formerly Invitae), Labcorp
Classification: Uncertain significance for Hereditary breast ovarian cancer syndrome. Last evaluated: 2022-09-07. Review status: criteria provided, single submitter. Criteria: Invitae Variant Classification Sherloc (09022015). Collection method: clinical testing. Allele origin: germline.
Comment: This sequence change replaces methionine, which is neutral and non-polar, with valine, which is neutral and non-polar, at codon 3118 of the BRCA2 protein (p.Met3118Val). This variant is not present in population databases (gnomAD no frequency). This variant has not been reported in the literature in individuals affected with BRCA2-related conditions. ClinVar contains an entry for this variant (Variation ID: 1472237). Advanced modeling of protein sequence and biophysical properties (such as structural, functional, and spatial information, amino acid conservation, physicochemical variation, residue mobility, and thermodynamic stability) performed at Invitae indicates that this missense variant is not expected to disrupt BRCA2 protein function. In summary, the available evidence is currently insufficient to determine the role of this variant in disease. Therefore, it has been classified as a Variant of Uncertain Significance.